The following is an entry in ClinVar:

ClinVar aggregate classification (germline): Uncertain significance (1 of 4 stars; one submission).

Conditions:
Dilated cardiomyopathy 1W (CMD1W). Identifiers: Orphanet 154, MedGen C1969639, MONDO:0012667, OMIM 611407.

Allele frequency attached by ClinVar (database versions not stated): gnomAD exomes 0.00001.

Submission:

Labcorp Genetics (formerly Invitae), Labcorp
Classification: Uncertain significance for Dilated cardiomyopathy 1W. Last evaluated: 2023-01-18. Review status: criteria provided, single submitter. Criteria: Invitae Variant Classification Sherloc (09022015). Collection method: clinical testing. Allele origin: germline.
Comment: This sequence change affects codon 80 of the VCL mRNA. It is a 'silent' change, meaning that it does not change the encoded amino acid sequence of the VCL protein. It affects a nucleotide within the consensus splice site. This variant is not present in population databases (gnomAD no frequency). This variant has not been reported in the literature in individuals affected with VCL-related conditions. Algorithms developed to predict the effect of sequence changes on RNA splicing suggest that this variant is not likely to affect RNA splicing. In summary, the available evidence is currently insufficient to determine the role of this variant in disease. Therefore, it has been classified as a Variant of Uncertain Significance.

NM_014000.3(VCL):c.240G>A (p.Lys80=)

Gene: VCL (vinculin; plus strand). Cytogenetic location: 10q22.2.
Variant type: single nucleotide variant.
Coding change: c.240G>A on transcript NM_014000.3 (MANE Select); coding-DNA position 240, G replaced by A.
Protein change: p.Lys80=; no amino-acid change (lysine 80 retained).
Molecular consequence: synonymous variant.
Genome position (GRCh38, 1-based): chr10:74,070,670, G>A. VCF-style: chr10-74070670-G-A. GRCh37 (hg19) VCF-style: chr10-75830428-G-A.
Other names: c.240G>A, p.Lys80= (NM_003373.4).
Identifiers: ClinVar variation 2195757 (VCV002195757.4), dbSNP rs1841649559, ClinGen allele CA470165519.